The following is an entry in ClinVar:

ClinVar aggregate classification (germline): Uncertain significance (1 of 4 stars; one submission).

Conditions:
NEDD4L-related disorder. Also called: NEDD4L-related condition.

Allele frequency attached by ClinVar (database versions not stated): gnomAD 0.00001.

Submission:

PreventionGenetics, part of Exact Sciences
Classification: Uncertain significance for NEDD4L-related condition. Last evaluated: 2023-05-22. Review status: criteria provided, single submitter. Criteria: ACMG Guidelines, 2015. Collection method: clinical testing. Allele origin: germline.
Comment: The NEDD4L c.430G>A variant is predicted to result in the amino acid substitution p.Gly144Arg. To our knowledge, this variant has not been reported in the literature or in a large population database, indicating this variant is rare. At this time, the clinical significance of this variant is uncertain due to the absence of conclusive functional and genetic evidence.

NM_001144967.3(NEDD4L):c.430G>A (p.Gly144Arg)

Gene: NEDD4L (NEDD4 like E3 ubiquitin protein ligase; plus strand). Cytogenetic location: 18q21.31.
Variant type: single nucleotide variant.
Coding change: c.430G>A on transcript NM_001144967.3 (MANE Select); coding-DNA position 430, G replaced by A.
Protein change: p.Gly144Arg; replaces glycine 144 with arginine.
Molecular consequence: missense variant.
Genome position (GRCh38, 1-based): chr18:58,323,251, G>A. VCF-style: chr18-58323251-G-A. GRCh37 (hg19) VCF-style: chr18-55990483-G-A.
Other names: c.67G>A, p.Gly23Arg (NM_001144964.1, NM_001144965.2, NM_001144966.3 and 2 more transcripts); c.406G>A, p.Gly136Arg (NM_001144968.2, NM_001144969.2); c.430G>A, p.Gly144Arg (NM_001243960.2, NM_015277.6); short protein forms G136R, G144R, G23R.
Identifiers: ClinVar variation 2632473 (VCV002632473.1), dbSNP rs2059007980, ClinGen allele CA402551862.